The following is an entry in ClinVar:

ClinVar aggregate classification (germline): Conflicting classifications of pathogenicity. Review status: criteria provided, conflicting classifications (1 of 4 stars). 2 submissions from 2 submitters: Likely pathogenic (1); Uncertain significance (1). Last evaluated 2024-03-30.

Conditions:
Galactosylceramide beta-galactosidase deficiency. Also called: Krabbe Disease; Leukodystrophy, Globoid Cell; GALACTOCEREBROSIDASE DEFICIENCY; GALC DEFICIENCY; GLOBOID CELL LEUKOENCEPHALOPATHY. Identifiers: Orphanet 487, MedGen C0023521, MONDO:0009499, OMIM 245200.

Submissions (2):

Fulgent Genetics
Classification: Likely pathogenic for Galactosylceramide beta-galactosidase deficiency. Last evaluated: 2024-03-30. Review status: criteria provided, single submitter. Criteria: ACMG Guidelines, 2015. Collection method: clinical testing. Allele origin: germline.

Women's Health and Genetics/Laboratory Corporation of America, LabCorp
Classification: Uncertain significance. Last evaluated: 2024-03-21. Review status: criteria provided, single submitter. Criteria: LabCorp Variant Classification Summary - May 2015. Collection method: clinical testing. Allele origin: germline.
Comment: Variant summary: GALC c.443G>A (p.Gly148Glu) results in a non-conservative amino acid change located near a canonical splice site, within in the glycosyl hydrolase family 59, catalytic domain (IPR049161) of the encoded protein sequence. Five of five in-silico tools predict a damaging effect of the variant on protein function. Consensus agreement among computation tools predict no significant impact on normal splicing. However, these predictions have yet to be confirmed by functional studies. The variant was absent in 249390 control chromosomes (gnomAD). The available data on variant occurrences in the general population are insufficient to allow any conclusion about variant significance. c.443G>A has been reported in the literature in the compound heterozygous state in an individual affected with infantile-onset Krabbe Disease (Madsen_2019). These data do not allow any conclusion about variant significance. To our knowledge, no experimental evidence demonstrating an impact on protein function has been reported. The following publication has been ascertained in the context of this evaluation (PMID: 31240153). No submitters have cited clinical-significance assessments for this variant to ClinVar. Based on the evidence outlined above, the variant was classified as uncertain significance.

Literature cited by the submitters: PubMed 31240153 (cited by Women's Health and Genetics/Laboratory Corporation of America, LabCorp).

NM_000153.4(GALC):c.443G>A (p.Gly148Glu)

Gene: GALC (galactosylceramidase; minus strand). Cytogenetic location: 14q31.3.
Variant type: single nucleotide variant.
Coding change: c.443G>A on transcript NM_000153.4 (MANE Select); coding-DNA position 443, G replaced by A.
Protein change: p.Gly148Glu; replaces glycine 148 with glutamic acid.
Molecular consequence: missense variant. On other transcripts: 5 prime UTR variant (2), non-coding transcript variant (1).
Genome position (GRCh38, 1-based): chr14:87,984,533, C>T on the plus strand (G>A on the coding strand, the complement: GALC is on the minus strand). VCF-style: chr14-87984533-C-T. GRCh37 (hg19) VCF-style: chr14-88450877-C-T.
Other names: c.374G>A, p.Gly125Glu (NM_001201401.2); c.365G>A, p.Gly122Glu (NM_001201402.2); c.275G>A, p.Gly92Glu (NM_001424071.1, NM_001424072.1, NM_001424073.1); c.95G>A, p.Gly32Glu (NM_001424074.1, NM_001424075.1); c.-225G>A (NM_001424076.1, NM_001424077.1); short protein forms G122E, G125E, G148E, G32E, G92E.
Identifiers: ClinVar variation 3233824 (VCV003233824.3), dbSNP rs749233234, ClinGen allele CA264711113.